The following is an entry in ClinVar:

ClinVar aggregate classification (germline): Benign. Review status: criteria provided, multiple submitters, no conflicts (2 of 4 stars). 2 submissions from 2 submitters: Benign (2). Last evaluated 2019-10-17.

Conditions:
Leigh syndrome (NULS). Also called: Leigh's necrotizing encephalopathy; Leigh's disease; Leigh Syndrome (mtDNA deletion); Leigh Disease; Subacute necrotizing encephalopathy; Necrotizing encephalopathy infantile subacute of Leigh. Identifiers: Orphanet 506, MedGen C2931891, MONDO:0009723, OMIM 256000.

Submissions (2):

Wong Mito Lab, Molecular and Human Genetics, Baylor College of Medicine
Classification: Benign for Leigh syndrome. Last evaluated: 2019-10-17. Review status: criteria provided, single submitter. Criteria: Modified ACMG Guidelines (Unpublished). Collection method: clinical testing. Allele origin: germline.
Comment: The NC_012920.1:m.3421G>A (YP_003024026.1:p.Val39Ile) variant in MTND1 gene is interpretated to be a Benign variant based on the modified ACMG guidelines (unpublished). This variant meets the following evidence codes: BS1, BS2, BP4

Breakthrough Genomics
Classification: Benign. Review status: criteria provided, single submitter. Criteria: ACMG Guidelines, 2015. Collection method: not provided. Allele origin: germline. Inheritance: Unknown mechanism. Affected: yes.

Literature cited by the submitters: PubMed 16949108 (cited by Wong Mito Lab, Molecular and Human Genetics, Baylor College of Medicine).

NC_012920.1(MT-ND1):m.3421G>A

Gene: MT-ND1 (mitochondrially encoded NADH dehydrogenase 1; plus strand).
Variant type: single nucleotide variant.
Genome position: chrM-3421-G-A.
Identifiers: ClinVar variation 692354 (VCV000692354.2), dbSNP rs1603218954, ClinGen allele CA414772747.